The following is an entry in ClinVar:

ClinVar aggregate classification (germline): Uncertain significance (1 of 4 stars; one submission).

Conditions:
3-hydroxy-3-methylglutaryl-CoA synthase deficiency (HMGCS2D). Also called: HMG-CoA synthase-2 deficiency; HMGCS2 DEFICIENCY; MITOCHONDRIAL HMG-CoA SYNTHASE DEFICIENCY. Identifiers: Orphanet 35701, MedGen C2751532, MONDO:0011614, OMIM 605911.

Allele frequency attached by ClinVar (database versions not stated): gnomAD 0.00001; ExAC 0.00002; gnomAD exomes 0.00002; TOPMed 0.00002.
gnomAD v4.1: 29 of 1,613,952 alleles (0.0018%); highest among the groups gnomAD compares: South Asian, 0.0033%; no homozygotes.

Submission:

Labcorp Genetics (formerly Invitae), Labcorp
Classification: Uncertain significance for 3-hydroxy-3-methylglutaryl-CoA synthase deficiency. Last evaluated: 2022-07-15. Review status: criteria provided, single submitter. Criteria: Invitae Variant Classification Sherloc (09022015). Collection method: clinical testing. Allele origin: germline.
Comment: This variant is present in population databases (rs780869942, gnomAD 0.003%). This sequence change replaces glutamic acid, which is acidic and polar, with lysine, which is basic and polar, at codon 458 of the HMGCS2 protein (p.Glu458Lys). This variant has not been reported in the literature in individuals affected with HMGCS2-related conditions. Algorithms developed to predict the effect of missense changes on protein structure and function (SIFT, PolyPhen-2, Align-GVGD) all suggest that this variant is likely to be tolerated. In summary, the available evidence is currently insufficient to determine the role of this variant in disease. Therefore, it has been classified as a Variant of Uncertain Significance.

NM_005518.4(HMGCS2):c.1372G>A (p.Glu458Lys)

Gene: HMGCS2 (3-hydroxy-3-methylglutaryl-CoA synthase 2; minus strand). Cytogenetic location: 1p12.
Variant type: single nucleotide variant.
Coding change: c.1372G>A on transcript NM_005518.4 (MANE Select); coding-DNA position 1372, G replaced by A.
Protein change: p.Glu458Lys; replaces glutamic acid 458 with lysine.
Molecular consequence: missense variant.
Genome position (GRCh38, 1-based): chr1:119,752,597, C>T on the plus strand (G>A on the coding strand, the complement: HMGCS2 is on the minus strand). VCF-style: chr1-119752597-C-T. GRCh37 (hg19) VCF-style: chr1-120295220-C-T.
Other names: c.1246G>A, p.Glu416Lys (NM_001166107.1); short protein forms E416K, E458K.
Identifiers: ClinVar variation 1713476 (VCV001713476.4), dbSNP rs780869942, ClinGen allele CA1037570.